The following is an entry in ClinVar:

ClinVar aggregate classification (germline): Conflicting classifications of pathogenicity. Review status: criteria provided, conflicting classifications (1 of 4 stars). 12 submissions from 12 submitters: Pathogenic (4); Likely pathogenic (4); Uncertain significance (1). 3 of the submissions do not count toward it. Last evaluated 2025-10-16.

Conditions:
CC2D2A-related disorder. Also called: CC2D2A-related disorders; CC2D2A-related condition. Identifiers: MedGen CN239313.
Joubert syndrome. Also called: JOUBERT-BOLTSHAUSER SYNDROME; Familial aplasia of the vermis. Identifiers: Orphanet 475, MedGen C5979921, MONDO:0018772.
Meckel-Gruber syndrome. Also called: GRUBER SYNDROME; DYSENCEPHALIA SPLANCHNOCYSTICA; Dysencephalia splachnocystica. Identifiers: Orphanet 564, MedGen C0265215, MONDO:0018921.
COACH syndrome 1. Identifiers: Orphanet 1454, MedGen C5435651, MONDO:0800103, OMIM 216360, MONDO:0008996.
Joubert syndrome 9 (JBTS9). Identifiers: Orphanet 2318, MedGen C2676788, MONDO:0012849, OMIM 612285.

Allele frequency attached by ClinVar (database versions not stated): gnomAD exomes below 0.00001.
gnomAD v4.1: 2 of 1,600,774 alleles (0.00012%); highest among the groups gnomAD compares: Non-Finnish European, 0.00017%; no homozygotes.

Submissions (12):

3billion
Classification: Pathogenic for Joubert syndrome 9. Last evaluated: 2025-10-16. Review status: criteria provided, single submitter. Criteria: ACMG Guidelines, 2015. Collection method: clinical testing. Allele origin: germline. Affected: yes.
Comment: The variant is observed at an extremely low frequency in the gnomAD v4.1.0 dataset (total allele frequency: <0.001%). Predicted Consequence/Location: Missense variant In silico tool predictions suggest damaging effect of the variant on gene or gene product [REVEL: 0.86 (>=0.6, sensitivity 0.68 and specificity 0.92); 3Cnet: 0.99 (> 0.75, sensitivity 0.96 and precision 0.92)]. The same nucleotide change resulting in the same amino acid change has been previously reported as pathogenic/likely pathogenic with strong evidence (ClinVar ID: VCV000000743 /PMID: 18950740). The variant has been reported to be in trans with a pathogenic variant as either compound heterozygous or homozygous in at least one similarly affected unrelated individual (PMID: 18950740). A different missense change at the same codon (p.Pro1122Arg) have been reported to be associated with CC2D2A-related disorder (ClinVar ID: VCV000347895). Therefore, this variant is classified as Pathogenic according to the recommendation of ACMG/AMP guideline.

Genomic Medicine Center of Excellence, King Faisal Specialist Hospital and Research Centre
Classification: Likely pathogenic for Joubert syndrome 9. Last evaluated: 2024-03-17. Review status: criteria provided, single submitter. Criteria: ACMG Guidelines, 2015. Collection method: research. Allele origin: germline.

Revvity Omics, Revvity
Classification: Likely pathogenic. Last evaluated: 2022-05-17. Review status: criteria provided, single submitter. Criteria: ACMG Guidelines, 2015. Collection method: clinical testing. Allele origin: germline.

Labcorp Genetics (formerly Invitae), Labcorp
Classification: Pathogenic for Joubert syndrome; Meckel-Gruber syndrome. Last evaluated: 2022-03-10. Review status: criteria provided, single submitter. Criteria: Invitae Variant Classification Sherloc (09022015). Collection method: clinical testing. Allele origin: germline.
Comment: ClinVar contains an entry for this variant (Variation ID: 743). This missense change has been observed in individual(s) with Joubert syndrome (PMID: 18950740). It has also been observed to segregate with disease in related individuals. This variant is present in population databases (rs118204051, gnomAD no frequency). This sequence change replaces proline, which is neutral and non-polar, with serine, which is neutral and polar, at codon 1122 of the CC2D2A protein (p.Pro1122Ser). For these reasons, this variant has been classified as Pathogenic. Advanced modeling of protein sequence and biophysical properties (such as structural, functional, and spatial information, amino acid conservation, physicochemical variation, residue mobility, and thermodynamic stability) performed at Invitae indicates that this missense variant is expected to disrupt CC2D2A protein function.

Baylor Genetics
Classification: Likely pathogenic for COACH syndrome 1. Last evaluated: 2019-11-14. Review status: criteria provided, single submitter. Criteria: ACMG Guidelines, 2015. Collection method: clinical testing. Allele origin: unknown. Affected: yes.
Comment: This variant was determined to be likely pathogenic according to ACMG Guidelines, 2015 [PMID:25741868]. This variant has been previously reported as disease-causing by following sources [PMID: 29620724, 18950740, ClinVar ID: 743]

Broad Center for Mendelian Genomics, Broad Institute of MIT and Harvard
Classification: Uncertain significance for Joubert syndrome 9. Last evaluated: 2018-12-03. Review status: criteria provided, single submitter. Criteria: ACMG Guidelines, 2015. Collection method: research. Allele origin: germline. Inheritance: Autosomal recessive inheritance. Affected: yes.
Comment: The p.Pro1122Ser variant in CC2D2A has been reported in at least 5 Saudi Arabian individuals with Joubert syndrome (PMID: 26092869, 18950740), and has been identified in 0.01951% (1/5126) of other chromosomes by the Genome Aggregation Database (gnomAD). Although this variant has been seen in the general population, its frequency is low enough to be consistent with a recessive carrier frequency. Computational prediction tools and conservation analyses suggest that this variant may impact the protein, though this information is not predictive enough to determine pathogenicity. In summary, although there is some suspicion of pathogenicity, the clinical significance of the p.Pro1122Ser variant is uncertain. ACMG/AMP Criteria applied: PM2, PP3, PM1_Supporting (Richards 2015).

Eurofins Ntd Llc (ga)
Classification: Likely pathogenic. Last evaluated: 2017-11-28. Review status: criteria provided, single submitter. Criteria: EGL Classification Definitions 2015. Collection method: clinical testing. Allele origin: germline. Observed: 1 variant allele, 1 heterozygote.

Blueprint Genetics
Classification: Pathogenic for CC2D2A-related disorders. Last evaluated: 2017-06-12. Review status: criteria provided, single submitter. Criteria: ACMG Guidelines, 2015. Collection method: clinical testing. Allele origin: germline. Affected: yes. Observed: 1 variant allele.

UW Hindbrain Malformation Research Program, University of Washington
Classification: Pathogenic for Joubert syndrome 9. Last evaluated: 2015-02-23. Review status: criteria provided, single submitter. Criteria: Bachmann-Gagescu et al. (J Med Genet. 2015). Collection method: research. Allele origin: unknown. Affected: yes.

Clinical Laboratory Sciences Program (CLSP), King Saud bin Abdulaziz University for Health Sciences (KSAU-HS)
Classification: Likely pathogenic for Joubert syndrome 9. Last evaluated: 2023-04-01. Review status: no assertion criteria provided. Collection method: clinical testing. Allele origin: germline. Affected: yes. Not counted in ClinVar's aggregate classification.

Biochemical Molecular Genetic Laboratory, King Abdulaziz Medical City
Classification: Pathogenic for Joubert syndrome 9. Last evaluated: 2019-08-25. Review status: no assertion criteria provided. Collection method: clinical testing. Allele origin: germline. Affected: yes. Not counted in ClinVar's aggregate classification.

OMIM
Classification: Pathogenic for JOUBERT SYNDROME 9. Last evaluated: 2008-11-01. Review status: no assertion criteria provided. Collection method: literature only. Allele origin: germline. Not counted in ClinVar's aggregate classification.

Literature cited by the submitters: PubMed 18950740 (cited by 5 submitters); PubMed 29620724 (cited by Baylor Genetics); PubMed 26092869 (cited by Broad Center for Mendelian Genomics, Broad Institute of MIT and Harvard).

NM_001378615.1(CC2D2A):c.3364C>T (p.Pro1122Ser)

Genes: CC2D2A (coiled-coil and C2 domain containing 2A; plus strand), FBXL5 (F-box and leucine rich repeat protein 5; minus strand). Cytogenetic location: 4p15.32.
Variant type: single nucleotide variant.
Coding change: c.3364C>T on transcript NM_001378615.1 (MANE Select); coding-DNA position 3364, C replaced by T.
Protein change: p.Pro1122Ser; replaces proline 1122 with serine.
Molecular consequence: missense variant.
Genome position (GRCh38, 1-based): chr4:15,567,752, C>T. VCF-style: chr4-15567752-C-T. GRCh37 (hg19) VCF-style: chr4-15569375-C-T.
Other names: c.3364C>T, p.Pro1122Ser (NM_001080522.2); c.3217C>T, p.Pro1073Ser (NM_001378617.1); short protein forms P1122S, P1073S.
Identifiers: ClinVar variation 743 (VCV000000743.38), dbSNP rs118204051, ClinGen allele CA114469.